The following is an entry in ClinVar:

ClinVar aggregate classification (germline): Uncertain significance (1 of 4 stars; one submission).

Submission:

Labcorp Genetics (formerly Invitae), Labcorp
Classification: Uncertain significance. Last evaluated: 2025-04-18. Review status: criteria provided, single submitter. Criteria: Invitae Variant Classification Sherloc (09022015). Collection method: clinical testing. Allele origin: germline.
Comment: This sequence change replaces arginine, which is basic and polar, with tryptophan, which is neutral and slightly polar, at codon 200 of the CDK13 protein (p.Arg200Trp). This variant is not present in population databases (gnomAD no frequency). This variant has not been reported in the literature in individuals affected with CDK13-related conditions. Invitae Evidence Modeling of protein sequence and biophysical properties (such as structural, functional, and spatial information, amino acid conservation, physicochemical variation, residue mobility, and thermodynamic stability) has been performed for this missense variant. However, the output from this modeling did not meet the statistical confidence thresholds required to predict the impact of this variant on CDK13 protein function. In summary, the available evidence is currently insufficient to determine the role of this variant in disease. Therefore, it has been classified as a Variant of Uncertain Significance.

NM_003718.5(CDK13):c.598C>T (p.Arg200Trp)

Genes: CDK13 (cyclin dependent kinase 13; plus strand), LOC129998293 (ATAC-STARR-seq lymphoblastoid silent region 18116; plus strand). Cytogenetic location: 7p14.1.
Variant type: single nucleotide variant.
Coding change: c.598C>T on transcript NM_003718.5 (MANE Select); coding-DNA position 598, C replaced by T.
Protein change: p.Arg200Trp; replaces arginine 200 with tryptophan.
Molecular consequence: missense variant.
Genome position (GRCh38, 1-based): chr7:39,951,239, C>T. VCF-style: chr7-39951239-C-T. GRCh37 (hg19) VCF-style: chr7-39990838-C-T.
Other names: c.598C>T, p.Arg200Trp (NM_031267.4); short protein forms R200W.
Identifiers: ClinVar variation 4764371 (VCV004764371.1).
Genomic context (GRCh38, chr7:39,951,239, plus strand): 5'-AGTCCGGCCTCCTCCTCCGGCACCCAGCGGCGCGGGGAGGGGTCGGAGCGCAGGCCCCGC[C>T]GGGACCGCCGCAGCAGCAGTGGCCGCAGCAAGGAGCGCCACCGCGAGCACCGGCGGCGGG-3'
Protein context (NP_003709.3, residues 190-210): RGEGSERRPR[Arg200Trp]DRRSSSGRSK